The following is an entry in ClinVar:

ClinVar aggregate classification (germline): Uncertain significance. Review status: criteria provided, multiple submitters, no conflicts (2 of 4 stars). 2 submissions from 2 submitters: Uncertain significance (2). Last evaluated 2024-01-07.

Conditions:
Hereditary cancer-predisposing syndrome. Also called: Neoplastic Syndromes, Hereditary; Tumor predisposition; Hereditary neoplastic syndrome; Hereditary Cancer Syndrome. Identifiers: Orphanet 140162, MedGen C0027672, MeSH D009386, MONDO:0015356.
Rhabdoid tumor predisposition syndrome 2 (RTPS2). Identifiers: Orphanet 231108, Orphanet 69077, MedGen C2750074, MONDO:0013224, OMIM 613325.

Allele frequency attached by ClinVar (database versions not stated): gnomAD exomes below 0.00001.

Submissions (2):

Labcorp Genetics (formerly Invitae), Labcorp
Classification: Uncertain significance for Rhabdoid tumor predisposition syndrome 2. Last evaluated: 2024-01-07. Review status: criteria provided, single submitter. Criteria: Invitae Variant Classification Sherloc (09022015). Collection method: clinical testing. Allele origin: germline.
Comment: This sequence change replaces methionine, which is neutral and non-polar, with leucine, which is neutral and non-polar, at codon 145 of the SMARCA4 protein (p.Met145Leu). This variant is not present in population databases (gnomAD no frequency). This variant has not been reported in the literature in individuals affected with SMARCA4-related conditions. ClinVar contains an entry for this variant (Variation ID: 824804). Advanced modeling of protein sequence and biophysical properties (such as structural, functional, and spatial information, amino acid conservation, physicochemical variation, residue mobility, and thermodynamic stability) performed at Invitae indicates that this missense variant is not expected to disrupt SMARCA4 protein function with a negative predictive value of 95%. In summary, the available evidence is currently insufficient to determine the role of this variant in disease. Therefore, it has been classified as a Variant of Uncertain Significance.

Ambry Genetics
Classification: Uncertain significance for Hereditary cancer-predisposing syndrome. Last evaluated: 2018-04-19. Review status: criteria provided, single submitter. Criteria: Ambry Variant Classification Scheme 2023. Collection method: clinical testing. Allele origin: germline.
Comment: The p.M145L variant (also known as c.433A>T), located in coding exon 3 of the SMARCA4 gene, results from an A to T substitution at nucleotide position 433. The methionine at codon 145 is replaced by leucine, an amino acid with highly similar properties. This amino acid position is well conserved in available vertebrate species. In addition, this alteration is predicted to be tolerated by in silico analysis. Since supporting evidence is limited at this time, the clinical significance of this alteration remains unclear.

NM_003072.5(SMARCA4):c.433A>T (p.Met145Leu)

Gene: SMARCA4 (SWI/SNF related BAF chromatin remodeling complex subunit ATPase 4; plus strand). Cytogenetic location: 19p13.2.
Variant type: single nucleotide variant.
Coding change: c.433A>T on transcript NM_003072.5 (MANE Select); coding-DNA position 433, A replaced by T.
Protein change: p.Met145Leu; replaces methionine 145 with leucine.
Molecular consequence: missense variant. On other transcripts: non-coding transcript variant (1).
Genome position (GRCh38, 1-based): chr19:10,986,266, A>T. VCF-style: chr19-10986266-A-T. GRCh37 (hg19) VCF-style: chr19-11096942-A-T.
Other names: c.433A>T, p.Met145Leu (NM_001128844.3, NM_001128845.2, NM_001128846.2 and 4 more transcripts); short protein forms M145L.
Identifiers: ClinVar variation 824804 (VCV000824804.10), dbSNP rs1599949433, ClinGen allele CA404055934.